The following is an entry in ClinVar:

NM_152703.5(SAMD9L):c.3014A>C (p.His1005Pro)

Gene: SAMD9L (sterile alpha motif domain containing 9 like; minus strand). Cytogenetic location: 7q21.2.
Variant type: single nucleotide variant.
Coding change: c.3014A>C on transcript NM_152703.5 (MANE Select); coding-DNA position 3014, A replaced by C.
Protein change: p.His1005Pro; replaces histidine 1005 with proline.
Molecular consequence: missense variant.
Genome position (GRCh38, 1-based): chr7:93,132,958, T>G on the plus strand (A>C on the coding strand, the complement: SAMD9L is on the minus strand). VCF-style: chr7-93132958-T-G. GRCh37 (hg19) VCF-style: chr7-92762271-T-G.
Other names: c.3014A>C, p.His1005Pro (NM_001303496.3, NM_001303497.3, NM_001303498.3 and 5 more transcripts); short protein forms H1005P.
Identifiers: ClinVar variation 2096702 (VCV002096702.4), dbSNP rs779189130, ClinGen allele CA368185618.

ClinVar aggregate classification (germline): Uncertain significance (1 of 4 stars; one submission).

Submission:

Labcorp Genetics (formerly Invitae), Labcorp
Classification: Uncertain significance. Last evaluated: 2022-02-21. Review status: criteria provided, single submitter. Criteria: Invitae Variant Classification Sherloc (09022015). Collection method: clinical testing. Allele origin: germline.
Comment: This variant has not been reported in the literature in individuals affected with SAMD9L-related conditions. This variant is not present in population databases (gnomAD no frequency). This sequence change replaces histidine, which is basic and polar, with proline, which is neutral and non-polar, at codon 1005 of the SAMD9L protein (p.His1005Pro). Algorithms developed to predict the effect of missense changes on protein structure and function are either unavailable or do not agree on the potential impact of this missense change (SIFT: "Not Available"; PolyPhen-2: "Benign"; Align-GVGD: "Not Available"). In summary, the available evidence is currently insufficient to determine the role of this variant in disease. Therefore, it has been classified as a Variant of Uncertain Significance.